The following is an entry in ClinVar:

ClinVar aggregate classification (germline): Uncertain significance. Review status: criteria provided, single submitter (1 of 4 stars). 2 submissions from 2 submitters: Uncertain significance (1). 1 of the submissions does not count toward it. Last evaluated 2025-05-20.

Conditions:
Inborn genetic diseases. Identifiers: MedGen C0950123, MeSH D030342.
SALL4-Related Disorders. Also called: SALL4-related condition; SALL4-related disorder. Identifiers: MedGen CN381056.

gnomAD v4.1: 2 of 1,614,044 alleles (0.00012%); highest among the groups gnomAD compares: Non-Finnish European, 0.00017%; no homozygotes.

Submissions (2):

Ambry Genetics
Classification: Uncertain significance for Inborn genetic diseases. Last evaluated: 2025-05-20. Review status: criteria provided, single submitter. Criteria: Ambry Variant Classification Scheme 2023. Collection method: clinical testing. Allele origin: germline.

PreventionGenetics, part of Exact Sciences
Classification: Uncertain significance for SALL4-related condition. Last evaluated: 2024-04-17. Review status: no assertion criteria provided. Collection method: clinical testing. Allele origin: germline. Not counted in ClinVar's aggregate classification.
Comment: The SALL4 c.2860C>T variant is predicted to result in the amino acid substitution p.Pro954Ser. To our knowledge, this variant has not been reported in the literature or in a large population database, indicating this variant is rare. At this time, the clinical significance of this variant is uncertain due to the absence of conclusive functional and genetic evidence.

NM_020436.5(SALL4):c.2860C>T (p.Pro954Ser)

Gene: SALL4 (spalt like transcription factor 4; minus strand). Cytogenetic location: 20q13.2.
Variant type: single nucleotide variant.
Coding change: c.2860C>T on transcript NM_020436.5 (MANE Select); coding-DNA position 2860, C replaced by T.
Protein change: p.Pro954Ser; replaces proline 954 with serine.
Molecular consequence: missense variant.
Genome position (GRCh38, 1-based): chr20:51,784,567, G>A on the plus strand (C>T on the coding strand, the complement: SALL4 is on the minus strand). VCF-style: chr20-51784567-G-A. GRCh37 (hg19) VCF-style: chr20-50401106-G-A.
Other names: c.1549C>T, p.Pro517Ser (NM_001318031.2); short protein forms P517S, P954S.
Identifiers: ClinVar variation 3356004 (VCV003356004.2).